The following is an entry in ClinVar:

NM_054012.4(ASS1):c.694C>T (p.Pro232Ser)

Gene: ASS1 (argininosuccinate synthase 1; plus strand). Cytogenetic location: 9q34.11.
Variant type: single nucleotide variant.
Coding change: c.694C>T on transcript NM_054012.4 (MANE Select); coding-DNA position 694, C replaced by T.
Protein change: p.Pro232Ser; replaces proline 232 with serine.
Molecular consequence: missense variant.
Genome position (GRCh38, 1-based): chr9:130,479,721, C>T. VCF-style: chr9-130479721-C-T. GRCh37 (hg19) VCF-style: chr9-133355108-C-T.
Other names: c.694C>T, p.Pro232Ser (NM_000050.4); short protein forms P232S.
Identifiers: ClinVar variation 5007403 (VCV005007403.2).

ClinVar aggregate classification (germline): Uncertain significance (1 of 4 stars; one submission).

Conditions:
Citrullinemia type I (CTNL1). Also called: ASS DEFICIENCY; argininosuccinate synthetase deficiency. Identifiers: Orphanet 247525, MedGen C4721769, MONDO:0008988, OMIM 215700.

Submission:

Juno Genomics, Hangzhou Juno Genomics, Inc
Classification: Uncertain significance for Citrullinemia type I. Review status: criteria provided, single submitter. Criteria: ACMG Guidelines, 2015. Collection method: clinical testing. Allele origin: germline.
Comment: Absent from controls (or at extremely low frequency if recessive) in Genome Aggregation Database.;Multiple lines of computational evidence support a deleterious effect on the gene or gene product.